The following is an entry in ClinVar:

ClinVar aggregate classification (germline): Conflicting classifications of pathogenicity. Review status: criteria provided, conflicting classifications (1 of 4 stars). 5 submissions from 5 submitters: Uncertain significance (4); Likely benign (1). Last evaluated 2025-12-16.

Conditions:
Hereditary cancer-predisposing syndrome. Also called: Hereditary neoplastic syndrome; Neoplastic Syndromes, Hereditary; Tumor predisposition; Hereditary Cancer Syndrome. Identifiers: Orphanet 140162, MedGen C0027672, MeSH D009386, MONDO:0015356.
Familial cancer of breast. Also called: BREAST CANCER, FAMILIAL; Hereditary breast cancer; hereditary breast carcinoma. Identifiers: Orphanet 227535, MedGen C0346153, MONDO:0016419, OMIM 114480. Disease mechanism: loss of function.

Allele frequency attached by ClinVar (database versions not stated): gnomAD exomes below 0.00001; TOPMed below 0.00001.
gnomAD v4.1: 2 of 1,612,862 alleles (0.00012%); highest among the groups gnomAD compares: Non-Finnish European, 0.00017%; no homozygotes.

Submissions (5):

Labcorp Genetics (formerly Invitae), Labcorp
Classification: Uncertain significance for Familial cancer of breast. Last evaluated: 2025-12-16. Review status: criteria provided, single submitter. Criteria: Invitae Variant Classification Sherloc (09022015). Collection method: clinical testing. Allele origin: germline.
Comment: This sequence change replaces cysteine, which is neutral and slightly polar, with tyrosine, which is neutral and polar, at codon 327 of the PALB2 protein (p.Cys327Tyr). This variant is not present in population databases (gnomAD no frequency). This variant has not been reported in the literature in individuals affected with PALB2-related conditions. ClinVar contains an entry for this variant (Variation ID: 185906). Invitae Evidence Modeling of protein sequence and biophysical properties (such as structural, functional, and spatial information, amino acid conservation, physicochemical variation, residue mobility, and thermodynamic stability) indicates that this missense variant is not expected to disrupt PALB2 protein function with a negative predictive value of 80%. In summary, the available evidence is currently insufficient to determine the role of this variant in disease. Therefore, it has been classified as a Variant of Uncertain Significance.

Ambry Genetics
Classification: Likely benign for Hereditary cancer-predisposing syndrome. Last evaluated: 2024-03-27. Review status: criteria provided, single submitter. Criteria: Ambry Variant Classification Scheme 2023. Collection method: clinical testing. Allele origin: germline.

GeneDx
Classification: Uncertain significance. Last evaluated: 2022-02-04. Review status: criteria provided, single submitter. Criteria: GeneDx Variant Classification Process June 2021. Collection method: clinical testing. Allele origin: germline. Affected: yes.
Comment: Not observed at significant frequency in large population cohorts (gnomAD); In silico analysis supports that this missense variant has a deleterious effect on protein structure/function; Observed in an individual with breast cancer (Decker 2017); This variant is associated with the following publications: (PMID: 28779002)

Quest Diagnostics Nichols Institute San Juan Capistrano
Classification: Uncertain significance. Last evaluated: 2021-08-06. Review status: criteria provided, single submitter. Criteria: Quest Diagnostics criteria. Collection method: clinical testing. Allele origin: unknown.

Color Diagnostics, LLC DBA Color Health
Classification: Uncertain significance for Hereditary cancer-predisposing syndrome. Last evaluated: 2020-02-09. Review status: criteria provided, single submitter. Criteria: ACMG Guidelines, 2015. Collection method: clinical testing. Allele origin: germline.
Comment: This missense variant replaces cysteine with tyrosine at codon 327 of the PALB2 protein. Computational prediction suggests that this variant may not impact protein structure and function (internally defined REVEL score threshold <= 0.5, PMID: 27666373). Splice site prediction tools suggest that this variant may not impact RNA splicing. To our knowledge, functional studies have not been performed for this variant. This variant has not been reported in individuals affected with hereditary cancer in the literature. This variant has not been identified in the general population by the Genome Aggregation Database (gnomAD). The available evidence is insufficient to determine the role of this variant in disease conclusively. Therefore, this variant is classified as a Variant of Uncertain Significance.

Literature cited by the submitters: PubMed 28779002 (cited by Ambry Genetics and Quest Diagnostics Nichols Institute San Juan Capistrano).

NM_024675.4(PALB2):c.980G>A (p.Cys327Tyr)

Gene: PALB2 (partner and localizer of BRCA2; minus strand). Cytogenetic location: 16p12.2.
Variant type: single nucleotide variant.
Coding change: c.980G>A on transcript NM_024675.4 (MANE Select); coding-DNA position 980, G replaced by A.
Protein change: p.Cys327Tyr; replaces cysteine 327 with tyrosine.
Molecular consequence: missense variant.
Genome position (GRCh38, 1-based): chr16:23,635,566, C>T on the plus strand (G>A on the coding strand, the complement: PALB2 is on the minus strand). VCF-style: chr16-23635566-C-T. GRCh37 (hg19) VCF-style: chr16-23646887-C-T.
Other names: short protein forms C327Y.
Identifiers: ClinVar variation 185906 (VCV000185906.22), dbSNP rs786202550, ClinGen allele CA193324.